The following is an entry in ClinVar:

NM_004463.3(FGD1):c.2310_2329delinsAGTTCCGG (p.Leu771_Arg777delinsValProGly)

Gene: FGD1 (FYVE, RhoGEF and PH domain containing 1; minus strand). Cytogenetic location: Xp11.22.
Variant type: Indel.
Coding change: c.2310_2329delinsAGTTCCGG on transcript NM_004463.3 (MANE Select); coding-DNA positions 2310 to 2329, CCTCGTCTATGACAACAACC replaced by AGTTCCGG.
Protein change: p.Leu771_Arg777delinsValProGly.
Molecular consequence: inframe indel.
Genome position (GRCh38, 1-based): chrX:54,448,913-54,448,932, GGTTGTTGTCATAGACGAGG replaced by CCGGAACT on the plus strand (CCTCGTCTATGACAACAACC replaced by AGTTCCGG on the coding strand, the reverse complement: FGD1 is on the minus strand). VCF-style: chrX-54448913-GGTTGTTGTCATAGACGAGG-CCGGAACT. GRCh37 (hg19) VCF-style: chrX-54475346-GGTTGTTGTCATAGACGAGG-CCGGAACT.
Identifiers: ClinVar variation 3764460 (VCV003764460.1).

ClinVar aggregate classification (germline): Uncertain significance (1 of 4 stars; one submission).

Submission:

GeneDx
Classification: Uncertain significance. Last evaluated: 2024-08-20. Review status: criteria provided, single submitter. Criteria: GeneDx Variant Classification Process June 2021. Collection method: clinical testing. Allele origin: germline. Affected: yes.
Comment: Not observed at significant frequency in large population cohorts (gnomAD); In-frame deletion of 7 amino acids and insertion 3 amino acids in a non-repeat region; Has not been previously published as pathogenic or benign to our knowledge